The following is an entry in ClinVar:

NM_182961.4(SYNE1):c.23962A>G (p.Met7988Val)

Gene: SYNE1 (spectrin repeat containing nuclear envelope protein 1; minus strand). Cytogenetic location: 6q25.2.
Variant type: single nucleotide variant.
Coding change: c.23962A>G on transcript NM_182961.4 (MANE Select); coding-DNA position 23962, A replaced by G.
Protein change: p.Met7988Val; replaces methionine 7988 with valine.
Molecular consequence: missense variant.
Genome position (GRCh38, 1-based): chr6:152,155,926, T>C on the plus strand (A>G on the coding strand, the complement: SYNE1 is on the minus strand). VCF-style: chr6-152155926-T-C. GRCh37 (hg19) VCF-style: chr6-152477061-T-C.
Other names: c.23749A>G (NM_033071.3); c.427A>G, p.Met143Val (NM_001347702.2); c.23749A>G, p.Met7917Val (NM_033071.5); c.568A>G, p.Met190Val (NM_001347701.2); short protein forms M7917V, M143V, M190V, M7988V.
Identifiers: ClinVar variation 1476019 (VCV001476019.6), dbSNP rs746456193, ClinGen allele CA4053309.
Genomic context (GRCh38, chr6:152,155,926, plus strand): 5'-TTTGGTCTTTCCTCTTCCCTATCTGTTTCAGCATCCCAGCTCACTTCAGCCTCCTTTCCA[T>C]GGACATAGCACAAATGTTTCTCCACCGCCGGTCCAGGTTTCTCGTAGCCTGCTGTATAGA-3'
Protein context (NP_892006.3, residues 7978-7998): RRWRNICAMS[Met7988Val]ERRLKIEETW

ClinVar aggregate classification (germline): Uncertain significance. Review status: criteria provided, multiple submitters, no conflicts (2 of 4 stars). 2 submissions from 2 submitters: Uncertain significance (2). Last evaluated 2022-03-22.

Conditions:
Autosomal recessive ataxia, Beauce type. Also called: SYNE1-Related Autosomal Recessive Cerebellar Ataxia; Spinocerebellar ataxia, autosomal recessive 8; ATAXIA, RECESSIVE, OF BEAUCE; SYNE1 Deficiency. Identifiers: Orphanet 88644, MedGen C1853116, MONDO:0012549, OMIM 610743.
Emery-Dreifuss muscular dystrophy 4, autosomal dominant (EDMD4). Also called: EMERY-DREIFUSS MUSCULAR DYSTROPHY 4 WITH VARIABLE FEATURES. Identifiers: Orphanet 261, MedGen C2751807, MONDO:0013071, OMIM 612998.

Allele frequency attached by ClinVar (database versions not stated): gnomAD 0.00001 and 0.00004; gnomAD exomes 0.00001 and 0.00002; ExAC 0.00002; TOPMed 0.00003.
gnomAD v4.1: 14 of 1,614,012 alleles (0.00087%); highest among the groups gnomAD compares: Admixed American, 0.0083%; no homozygotes.

Submissions (2):

Labcorp Genetics (formerly Invitae), Labcorp
Classification: Uncertain significance for Emery-Dreifuss muscular dystrophy 4, autosomal dominant; Autosomal recessive ataxia, Beauce type. Last evaluated: 2022-03-22. Review status: criteria provided, single submitter. Criteria: Invitae Variant Classification Sherloc (09022015). Collection method: clinical testing. Allele origin: germline.
Comment: This sequence change replaces methionine, which is neutral and non-polar, with valine, which is neutral and non-polar, at codon 7917 of the SYNE1 protein (p.Met7917Val). This variant is present in population databases (rs746456193, gnomAD 0.009%). This variant has not been reported in the literature in individuals affected with SYNE1-related conditions. Algorithms developed to predict the effect of missense changes on protein structure and function are either unavailable or do not agree on the potential impact of this missense change (SIFT: "Deleterious"; PolyPhen-2: "Possibly Damaging"; Align-GVGD: "Class C0"). Algorithms developed to predict the effect of sequence changes on RNA splicing suggest that this variant may create or strengthen a splice site. In summary, the available evidence is currently insufficient to determine the role of this variant in disease. Therefore, it has been classified as a Variant of Uncertain Significance.

Revvity Omics, Revvity
Classification: Uncertain significance. Last evaluated: 2021-05-04. Review status: criteria provided, single submitter. Criteria: ACMG Guidelines, 2015. Collection method: clinical testing. Allele origin: germline.